The following is an entry in ClinVar:

NM_004656.4(BAP1):c.1120G>A (p.Glu374Lys)

Gene: BAP1 (BRCA1 associated deubiquitinase 1; minus strand). Cytogenetic location: 3p21.1.
Variant type: single nucleotide variant.
Coding change: c.1120G>A on transcript NM_004656.4 (MANE Select); coding-DNA position 1120, G replaced by A.
Protein change: p.Glu374Lys; replaces glutamic acid 374 with lysine.
Molecular consequence: missense variant.
Genome position (GRCh38, 1-based): chr3:52,404,583, C>T on the plus strand (G>A on the coding strand, the complement: BAP1 is on the minus strand). VCF-style: chr3-52404583-C-T. GRCh37 (hg19) VCF-style: chr3-52438599-C-T.
Other names: c.1120G>A (NM_004656.3); c.1066G>A, p.Glu356Lys (NM_001410772.1); short protein forms E374K, E356K.
Identifiers: ClinVar variation 4194231 (VCV004194231.2).
Genomic context (GRCh38, chr3:52,404,583, plus strand): 5'-ACTGCTGGGGTGGGCGGACTGGAACTCGGCTGCGGCCCACACCTGCCGCCAGGTCTTCTT[C>T]CTCCTGGGACAAAGACCAGGGCAGTTACAAACAAGTGCTGCTCGGCCCAGGCTGAGCCTA-3'
Protein context (NP_004647.1, residues 364-384): HNYAKSPMQE[Glu374Lys]EDLAAGVGRS

ClinVar aggregate classification (germline): Uncertain significance. Review status: criteria provided, multiple submitters, no conflicts (2 of 4 stars). 2 submissions from 2 submitters: Uncertain significance (2). Last evaluated 2026-05-31.

Conditions:
BAP1-related disorder. Also called: BAP1-related condition.
Hereditary cancer-predisposing syndrome. Also called: Hereditary Cancer Syndrome; Hereditary neoplastic syndrome; Neoplastic Syndromes, Hereditary; Tumor predisposition. Identifiers: Orphanet 140162, MedGen C0027672, MeSH D009386, MONDO:0015356.

Submissions (2):

PreventionGenetics, part of Exact Sciences
Classification: Uncertain significance for BAP1-related condition. Last evaluated: 2026-05-31. Review status: criteria provided, single submitter. Criteria: ACMG Guidelines, 2015. Collection method: clinical testing. Allele origin: germline.
Comment: The BAP1 c.1120G>A variant is predicted to result in the amino acid substitution p.Glu374Lys. To our knowledge, this variant has not been reported in the literature or in a large population database (gnomAD), indicating this variant is rare. At this time, the clinical significance of this variant is uncertain due to the absence of conclusive functional and genetic evidence.

Ambry Genetics
Classification: Uncertain significance for Hereditary cancer-predisposing syndrome. Last evaluated: 2025-07-07. Review status: criteria provided, single submitter. Criteria: Ambry Variant Classification Scheme 2023. Collection method: clinical testing. Allele origin: germline.
Comment: The p.E374K variant (also known as c.1120G>A), located in coding exon 12 of the BAP1 gene, results from a G to A substitution at nucleotide position 1120. The glutamic acid at codon 374 is replaced by lysine, an amino acid with similar properties. This amino acid position is highly conserved in available vertebrate species. In addition, the in silico prediction for this alteration is inconclusive. Based on the available evidence, the clinical significance of this variant remains unclear.